The following is an entry in ClinVar:

ClinVar aggregate classification (germline): Likely benign. Review status: criteria provided, multiple submitters, no conflicts (2 of 4 stars). 3 submissions from 3 submitters: Likely benign (3). Last evaluated 2024-12-12.

Conditions:
Hereditary cancer-predisposing syndrome. Also called: Hereditary neoplastic syndrome; Neoplastic Syndromes, Hereditary; Tumor predisposition; Hereditary Cancer Syndrome. Identifiers: Orphanet 140162, MedGen C0027672, MeSH D009386, MONDO:0015356.
Retinoblastoma (RB1). Also called: RETINOBLASTOMA, SOMATIC. Identifiers: Orphanet 790, MedGen C0035335, MeSH D012175, MONDO:0008380, OMIM 180200, HP:0009919. Disease mechanism: loss of function. Inheritance: Both sporadic and heritable forms are tested..

Allele frequency attached by ClinVar (database versions not stated): gnomAD exomes below 0.00001; TOPMed 0.00001.
gnomAD v4.1: 3 of 1,484,780 alleles (0.0002%); highest among the groups gnomAD compares: Non-Finnish European, 0.00027%; no homozygotes.

Submissions (3):

Labcorp Genetics (formerly Invitae), Labcorp
Classification: Likely benign for Retinoblastoma. Last evaluated: 2024-12-12. Review status: criteria provided, single submitter. Criteria: Invitae Variant Classification Sherloc (09022015). Collection method: clinical testing. Allele origin: germline.

All of Us Research Program, National Institutes of Health
Classification: Likely benign for Retinoblastoma. Last evaluated: 2023-11-02. Review status: criteria provided, single submitter. Criteria: ACMG Guidelines, 2015. Collection method: clinical testing. Allele origin: germline. Inheritance: Autosomal dominant inheritance. Observed: 1 variant allele, 1 heterozygote.
Comment: This study involves interpretation of variants in research participants for the purpose of population health screening. Participant phenotype was not available at the time of variant classification. Additional details can be found in publication PMID: 35346344, PMCID: PMC8962531

Ambry Genetics
Classification: Likely benign for Hereditary cancer-predisposing syndrome. Last evaluated: 2021-08-30. Review status: criteria provided, single submitter. Criteria: Ambry Variant Classification Scheme 2023. Collection method: clinical testing. Allele origin: germline.

NM_000321.3(RB1):c.99A>G (p.Pro33=)

Gene: RB1 (RB transcriptional corepressor 1; plus strand). Cytogenetic location: 13q14.2.
Variant type: single nucleotide variant.
Coding change: c.99A>G on transcript NM_000321.3 (MANE Select); coding-DNA position 99, A replaced by G.
Protein change: p.Pro33=; no amino-acid change (proline 33 retained).
Molecular consequence: synonymous variant.
Genome position (GRCh38, 1-based): chr13:48,304,011, A>G. VCF-style: chr13-48304011-A-G. GRCh37 (hg19) VCF-style: chr13-48878147-A-G.
Identifiers: ClinVar variation 1148538 (VCV001148538.12), dbSNP rs1055176035, ClinGen allele CA249842032.